The following is an entry in ClinVar:

ClinVar aggregate classification (germline): Uncertain significance (1 of 4 stars; one submission).

Conditions:
Familial acute necrotizing encephalopathy (IIAE3). Also called: ENCEPHALOPATHY, ACUTE, INFECTION-INDUCED, SUSCEPTIBILITY TO, 3; Susceptibility to Acute Necrotizing Encephalopathy 1. Identifiers: Orphanet 88619, MedGen C2675556, MONDO:0011953, OMIM 608033.

Allele frequency attached by ClinVar (database versions not stated): gnomAD exomes below 0.00001.
gnomAD v4.1: 1 of 1,609,922 alleles (0.000062%); highest among the groups gnomAD compares: Non-Finnish European, 0.000085%; no homozygotes.

Submission:

Labcorp Genetics (formerly Invitae), Labcorp
Classification: Uncertain significance for Familial acute necrotizing encephalopathy. Last evaluated: 2025-06-09. Review status: criteria provided, single submitter. Criteria: Invitae Variant Classification Sherloc (09022015). Collection method: clinical testing. Allele origin: germline.
Comment: This sequence change replaces aspartic acid, which is acidic and polar, with asparagine, which is neutral and polar, at codon 2437 of the RANBP2 protein (p.Asp2437Asn). This variant is not present in population databases (gnomAD no frequency). This variant has not been reported in the literature in individuals affected with RANBP2-related conditions. ClinVar contains an entry for this variant (Variation ID: 951361). Invitae Evidence Modeling of protein sequence and biophysical properties (such as structural, functional, and spatial information, amino acid conservation, physicochemical variation, residue mobility, and thermodynamic stability) indicates that this missense variant is not expected to disrupt RANBP2 protein function with a negative predictive value of 80%. In summary, the available evidence is currently insufficient to determine the role of this variant in disease. Therefore, it has been classified as a Variant of Uncertain Significance.

NM_006267.5(RANBP2):c.7309G>A (p.Asp2437Asn)

Gene: RANBP2 (RAN binding protein 2; plus strand). Cytogenetic location: 2q13.
Variant type: single nucleotide variant.
Coding change: c.7309G>A on transcript NM_006267.5 (MANE Select); coding-DNA position 7309, G replaced by A.
Protein change: p.Asp2437Asn; replaces aspartic acid 2437 with asparagine.
Molecular consequence: missense variant.
Genome position (GRCh38, 1-based): chr2:108,767,848, G>A. VCF-style: chr2-108767848-G-A. GRCh37 (hg19) VCF-style: chr2-109384304-G-A.
Other names: short protein forms D2437N.
Identifiers: ClinVar variation 951361 (VCV000951361.10), dbSNP rs1677220231, ClinGen allele CA348077532.